The following is an entry in ClinVar:

NM_001148.6(ANK2):c.11063C>G (p.Thr3688Ser)

Gene: ANK2 (ankyrin 2; plus strand). Cytogenetic location: 4q26.
Variant type: single nucleotide variant.
Coding change: c.11063C>G on transcript NM_001148.6 (MANE Select); coding-DNA position 11063, C replaced by G.
Protein change: p.Thr3688Ser; replaces threonine 3688 with serine.
Molecular consequence: missense variant.
Genome position (GRCh38, 1-based): chr4:113,367,596, C>G. VCF-style: chr4-113367596-C-G. GRCh37 (hg19) VCF-style: chr4-114288752-C-G.
Other names: c.4781C>G, p.Thr1594Ser (NM_001127493.3); c.4820C>G, p.Thr1607Ser (NM_001354225.2); c.4709C>G, p.Thr1570Ser (NM_001354228.2, NM_001354258.2); c.4787C>G, p.Thr1596Ser (NM_001354230.2); c.4850C>G, p.Thr1617Ser (NM_001354231.2, NM_001354242.2); c.4844C>G, p.Thr1615Ser (NM_001354232.2); c.4805C>G, p.Thr1602Ser (NM_001354235.2, NM_001354246.2, NM_001354265.2); c.4706C>G, p.Thr1569Ser (NM_001354236.2); and 35 more; short protein forms T1442S, T1475S, T1503S, T1508S, T1516S, T1525S, T1528S, T1530S.
Identifiers: ClinVar variation 1025235 (VCV001025235.5), dbSNP rs2096584434, ClinGen allele CA357941878.
Genomic context (GRCh38, chr4:113,367,596, plus strand): 5'-AACTAAATACTTAAATCATTCTGCCTTTAGGGTTCTCGGTACTTCAAGAGGAGTTATGCA[C>G]TGCACAGCACAAGCAGAAAGAGGAGCAAGCTGTTTCTAAAGAAAGTGAGACCTGCGATCA-3'
Protein context (NP_001139.3, residues 3678-3698): GFSVLQEELC[Thr3688Ser]AQHKQKEEQA

ClinVar aggregate classification (germline): Uncertain significance (1 of 4 stars; one submission).

Conditions:
Long QT syndrome (LQTS). Identifiers: MedGen C0023976, MeSH D008133, MONDO:0002442. Disease mechanism: loss of function. Inheritance: Various modes of inheritance.

Submission:

Labcorp Genetics (formerly Invitae), Labcorp
Classification: Uncertain significance for Long QT syndrome. Last evaluated: 2020-10-10. Review status: criteria provided, single submitter. Criteria: Invitae Variant Classification Sherloc (09022015). Collection method: clinical testing. Allele origin: germline.
Comment: Algorithms developed to predict the effect of missense changes on protein structure and function (SIFT, PolyPhen-2, Align-GVGD) all suggest that this variant is likely to be tolerated, but these predictions have not been confirmed by published functional studies and their clinical significance is uncertain. In summary, the available evidence is currently insufficient to determine the role of this variant in disease. Therefore, it has been classified as a Variant of Uncertain Significance. This variant has not been reported in the literature in individuals with ANK2-related conditions. This sequence change replaces threonine with serine at codon 3688 of the ANK2 protein (p.Thr3688Ser). The threonine residue is weakly conserved and there is a small physicochemical difference between threonine and serine. This variant is not present in population databases (ExAC no frequency).